The following is an entry in ClinVar:

NM_001378454.1(ALMS1):c.4172T>C (p.Phe1391Ser)

Gene: ALMS1 (ALMS1 centrosome and basal body associated protein; plus strand). Cytogenetic location: 2p13.1.
Variant type: single nucleotide variant.
Coding change: c.4172T>C on transcript NM_001378454.1 (MANE Select); coding-DNA position 4172, T replaced by C.
Protein change: p.Phe1391Ser; replaces phenylalanine 1391 with serine.
Molecular consequence: missense variant.
Genome position (GRCh38, 1-based): chr2:73,450,699, T>C. VCF-style: chr2-73450699-T-C. GRCh37 (hg19) VCF-style: chr2-73677826-T-C.
Other names: c.4175T>C, p.Phe1392Ser (NM_015120.4); short protein forms F1391S, F1392S.
Identifiers: ClinVar variation 1984628 (VCV001984628.4), dbSNP rs779360476, ClinGen allele CA1713650.

ClinVar aggregate classification (germline): Uncertain significance (1 of 4 stars; one submission).

Conditions:
Alstrom syndrome (ALMS). Identifiers: Orphanet 64, MedGen C0268425, MONDO:0008763, OMIM 203800.

Allele frequency attached by ClinVar (database versions not stated): gnomAD exomes below 0.00001; ExAC 0.00001.
gnomAD v4.1: 2 of 1,612,700 alleles (0.00012%); highest among the groups gnomAD compares: Admixed American, 0.0033%; no homozygotes.

Submission:

Labcorp Genetics (formerly Invitae), Labcorp
Classification: Uncertain significance for Alstrom syndrome. Last evaluated: 2022-05-22. Review status: criteria provided, single submitter. Criteria: Invitae Variant Classification Sherloc (09022015). Collection method: clinical testing. Allele origin: germline.
Comment: In summary, the available evidence is currently insufficient to determine the role of this variant in disease. Therefore, it has been classified as a Variant of Uncertain Significance. Experimental studies and prediction algorithms are not available or were not evaluated, and the functional significance of this variant is currently unknown. This variant has not been reported in the literature in individuals affected with ALMS1-related conditions. This variant is present in population databases (rs779360476, gnomAD 0.003%). This sequence change replaces phenylalanine, which is neutral and non-polar, with serine, which is neutral and polar, at codon 1392 of the ALMS1 protein (p.Phe1392Ser).